The following is an entry in ClinVar:

ClinVar aggregate classification (germline): Uncertain significance. Review status: criteria provided, multiple submitters, no conflicts (2 of 4 stars). 2 submissions from 2 submitters: Uncertain significance (2). Last evaluated 2025-07-09.

Allele frequency attached by ClinVar (database versions not stated): 1000 Genomes Project 0.00020; TOPMed 0.00024; gnomAD exomes below 0.00001 and 0.00001; ExAC 0.00001; gnomAD 0.00013 and 0.00014; 1000 Genomes Project 30x 0.00016.
gnomAD v4.1: 30 of 1,614,114 alleles (0.0019%); highest among the groups gnomAD compares: Admixed American, 0.043%; no homozygotes.

Submissions (2):

Ambry Genetics
Classification: Uncertain significance. Last evaluated: 2025-07-09. Review status: criteria provided, single submitter. Criteria: Ambry Variant Classification Scheme 2023. Collection method: clinical testing. Allele origin: germline.
Comment: The p.L678F variant (also known as c.2032C>T), located in coding exon 13 of the RINT1 gene, results from a C to T substitution at nucleotide position 2032. The leucine at codon 678 is replaced by phenylalanine, an amino acid with highly similar properties. This amino acid position is highly conserved in available vertebrate species. In addition, the in silico prediction for this alteration is inconclusive. Since supporting evidence is limited at this time, the clinical significance of this alteration remains unclear.

Labcorp Genetics (formerly Invitae), Labcorp
Classification: Uncertain significance. Last evaluated: 2022-07-15. Review status: criteria provided, single submitter. Criteria: Invitae Variant Classification Sherloc (09022015). Collection method: clinical testing. Allele origin: germline.
Comment: This sequence change replaces leucine, which is neutral and non-polar, with phenylalanine, which is neutral and non-polar, at codon 678 of the RINT1 protein (p.Leu678Phe). This variant is present in population databases (rs185684106, gnomAD 0.006%). This variant has not been reported in the literature in individuals affected with RINT1-related conditions. ClinVar contains an entry for this variant (Variation ID: 241402). Algorithms developed to predict the effect of missense changes on protein structure and function are either unavailable or do not agree on the potential impact of this missense change (SIFT: "Deleterious"; PolyPhen-2: "Probably Damaging"; Align-GVGD: "Class C0"). In summary, the available evidence is currently insufficient to determine the role of this variant in disease. Therefore, it has been classified as a Variant of Uncertain Significance.

NM_021930.6(RINT1):c.2032C>T (p.Leu678Phe)

Genes: EFCAB10 (EF-hand calcium binding domain 10; minus strand), RINT1 (RAD50 interactor 1; plus strand). Cytogenetic location: 7q22.3.
Variant type: single nucleotide variant.
Coding change: c.2032C>T on transcript NM_021930.6 (MANE Select); coding-DNA position 2032, C replaced by T.
Protein change: p.Leu678Phe; replaces leucine 678 with phenylalanine.
Molecular consequence: missense variant. On other transcripts: 3 prime UTR variant (2), non-coding transcript variant (1).
Genome position (GRCh38, 1-based): chr7:105,565,422, C>T. VCF-style: chr7-105565422-C-T. GRCh37 (hg19) VCF-style: chr7-105205869-C-T.
Other names: c.*25G>A (NM_001355526.2); c.*127G>A (NM_001355530.2); c.385G>A, p.Ala129Thr (NM_001355531.2); c.1798C>T, p.Leu600Phe (NM_001346599.2); c.1009C>T, p.Leu337Phe (NM_001346600.2, NM_001346603.2); c.1108C>T, p.Leu370Phe (NM_001346601.2); short protein forms L678F, L370F, A129T, L600F, L337F.
Identifiers: ClinVar variation 241402 (VCV000241402.14), dbSNP rs185684106, ClinGen allele CA4426843.